The following is an entry in ClinVar:

ClinVar aggregate classification (germline): Benign/Likely benign. Review status: criteria provided, multiple submitters, no conflicts (2 of 4 stars). 3 submissions from 3 submitters: Benign (1); Likely benign (2). Last evaluated 2025-12-19.

Conditions:
GGCX-related disorder. Also called: GGCX - Related Disorders; GGCX-related condition.

Allele frequency attached by ClinVar (database versions not stated): gnomAD exomes 0.00006 and 0.00025; ExAC 0.00029; gnomAD 0.00070 and 0.00075; TOPMed 0.00080; 1000 Genomes Project 0.00100; ESP Exome Variant Server 0.00108; 1000 Genomes Project 30x 0.00109.
gnomAD v4.1: 207 of 1,614,108 alleles (0.013%); highest among the groups gnomAD compares: African/African-American, 0.22%; no homozygotes.

Submissions (3):

Labcorp Genetics (formerly Invitae), Labcorp
Classification: Benign. Last evaluated: 2025-12-19. Review status: criteria provided, single submitter. Criteria: Invitae Variant Classification Sherloc (09022015). Collection method: clinical testing. Allele origin: germline.

PreventionGenetics, part of Exact Sciences
Classification: Likely benign for GGCX-related condition. Last evaluated: 2024-10-31. Review status: criteria provided, single submitter. Criteria: ACMG Guidelines, 2015. Collection method: clinical testing. Allele origin: germline.
Comment: This variant is classified as likely benign based on ACMG/AMP sequence variant interpretation guidelines (Richards et al. 2015 PMID: 25741868, with internal and published modifications).

Blueprint Genetics
Classification: Likely benign. Last evaluated: 2022-11-15. Review status: criteria provided, single submitter. Criteria: ACMG Guidelines, 2015. Collection method: clinical testing. Allele origin: germline.

NM_000821.7(GGCX):c.516A>G (p.Thr172=)

Gene: GGCX (gamma-glutamyl carboxylase; minus strand). Cytogenetic location: 2p11.2.
Variant type: single nucleotide variant.
Coding change: c.516A>G on transcript NM_000821.7 (MANE Select); coding-DNA position 516, A replaced by G.
Protein change: p.Thr172=; no amino-acid change (threonine 172 retained).
Molecular consequence: synonymous variant.
Genome position (GRCh38, 1-based): chr2:85,558,463, T>C on the plus strand (A>G on the coding strand, the complement: GGCX is on the minus strand). VCF-style: chr2-85558463-T-C. GRCh37 (hg19) VCF-style: chr2-85785586-T-C.
Other names: c.345A>G, p.Thr115= (NM_001142269.4).
Identifiers: ClinVar variation 787771 (VCV000787771.11), dbSNP rs148379673, ClinGen allele CA1742114.
Genomic context (GRCh38, chr2:85,558,463, plus strand): 5'-CAGCCAACCCCTCCCCTTTGTCCCCCCTGACTCATACCAGTAGTGGTTTGCATCCATGAA[T>C]GTTAGCTGAAAGGCCAACAACCCATACAGATAGGAGTGGTTGTTCCATGATGTCTTGTCC-3'
Protein context (NP_000812.2, residues 162-182): YLYGLLAFQL[Thr172=]FMDANHYWSV